The following is an entry in ClinVar:

NM_000124.4(ERCC6):c.1595A>G (p.Asp532Gly)

Gene: ERCC6 (ERCC excision repair 6, chromatin remodeling factor; minus strand). Cytogenetic location: 10q11.23.
Variant type: single nucleotide variant.
Coding change: c.1595A>G on transcript NM_000124.4 (MANE Select); coding-DNA position 1595, A replaced by G.
Protein change: p.Asp532Gly; replaces aspartic acid 532 with glycine.
Molecular consequence: missense variant.
Genome position (GRCh38, 1-based): chr10:49,500,628, T>C on the plus strand (A>G on the coding strand, the complement: ERCC6 is on the minus strand). VCF-style: chr10-49500628-T-C. GRCh37 (hg19) VCF-style: chr10-50708674-T-C.
Other names: c.1595A>G, p.Asp532Gly (NM_001346440.2); short protein forms D532G.
Identifiers: ClinVar variation 555033 (VCV000555033.8), dbSNP rs752712823, ClinGen allele CA5495923.
Genomic context (GRCh38, chr10:49,500,628, plus strand): 5'-CTGTAGCTCAGACCTGCCAAGAAGGCAATTATCTGGATGGTCTTGCCCAATCCCATTTCA[T>C]CTCCCAGAATTCCTCCTGCCTGCTGGCAGTGCAATTCCCACAGCCACCTAACACCTGTCT-3'
Protein context (NP_000115.1, residues 522-542): HCQQAGGILG[Asp532Gly]EMGLGKTIQI

ClinVar aggregate classification (germline): Conflicting classifications of pathogenicity. Review status: criteria provided, conflicting classifications (1 of 4 stars). 4 submissions from 4 submitters: Pathogenic (1); Uncertain significance (2). 1 of the submissions does not count toward it. Last evaluated 2026-02-04.

Conditions:
Cockayne spectrum with or without cerebrooculofacioskeletal syndrome. Identifiers: MedGen CN315928, MONDO:0100506.
Cockayne syndrome type 2 (CSB). Also called: Cockayne Syndrome, Type II; COCKAYNE SYNDROME B. Identifiers: Orphanet 191, Orphanet 90322, MedGen C0751038, MONDO:0019570, OMIM 133540.
Cerebrooculofacioskeletal syndrome 1 (COFS1). Also called: Cerebro-oculo-facio-skeletal syndrome 1. Identifiers: MedGen C0220722, MONDO:0008955, OMIM 214150.
DE SANCTIS-CACCHIONE SYNDROME. Identifiers: MedGen C0265201, MONDO:0010217, OMIM 278800.

Allele frequency attached by ClinVar (database versions not stated): gnomAD exomes below 0.00001; ExAC 0.00001.
gnomAD v4.1: 1 of 1,613,968 alleles (0.000062%); highest among the groups gnomAD compares: Non-Finnish European, 0.000085%; no homozygotes.

Submissions (4):

Myriad Genetics, Inc.
Classification: Uncertain significance for Cockayne spectrum with or without cerebrooculofacioskeletal syndrome. Last evaluated: 2026-02-04. Review status: criteria provided, single submitter. Criteria: Myriad Autosomal Dominant, Autosomal Recessive and X-Linked Classification Criteria (2023). Collection method: clinical testing. Allele origin: unknown.
Comment: NM_000124.2(ERCC6):c.1595A>G(D532G) is a missense variant classified as a variant of uncertain significance in the context of ERCC6-related disorders. D532G has been observed in a case with relevant disease (PMID: 25463447). Relevant functional assessments of this variant are not available in the literature. D532G has been observed in referenced population frequency databases. In summary, there is insufficient evidence to classify NM_000124.2(ERCC6):c.1595A>G(D532G) as pathogenic or benign. Please note: this variant was assessed in the context of healthy population screening.

Women's Health and Genetics/Laboratory Corporation of America, LabCorp
Classification: Uncertain significance. Last evaluated: 2025-06-25. Review status: criteria provided, single submitter. Criteria: LabCorp Variant Classification Summary - May 2015. Collection method: clinical testing. Allele origin: germline.
Comment: Variant summary: ERCC6 c.1595A>G (p.Asp532Gly) results in a non-conservative amino acid change located in the SNF2, N-terminal (IPR000330) of the encoded protein sequence. Algorithms developed to predict the effect of missense changes on protein structure and function all suggest that this variant is likely to be disruptive. The variant allele was found at a frequency of 4e-06 in 251060 control chromosomes. c.1595A>G has been observed compound heterozygous in individuals affected with Cockayne Syndrome and has been shown to segregate with disease in at least one family (Yu_2014). These data indicate that the variant may be associated with disease. To our knowledge, no experimental evidence demonstrating an impact on protein function has been reported. The following publication has been ascertained in the context of this evaluation (PMID: 25463447). ClinVar contains an entry for this variant (Variation ID: 555033). Based on the evidence outlined above, the variant was classified as VUS-possibly pathogenic.

Labcorp Genetics (formerly Invitae), Labcorp
Classification: Pathogenic. Last evaluated: 2023-07-14. Review status: criteria provided, single submitter. Criteria: Invitae Variant Classification Sherloc (09022015). Collection method: clinical testing. Allele origin: germline.
Comment: For these reasons, this variant has been classified as Pathogenic. Algorithms developed to predict the effect of sequence changes on RNA splicing suggest that this variant may disrupt the consensus splice site. Advanced modeling of protein sequence and biophysical properties (such as structural, functional, and spatial information, amino acid conservation, physicochemical variation, residue mobility, and thermodynamic stability) has been performed at Invitae for this missense variant, however the output from this modeling did not meet the statistical confidence thresholds required to predict the impact of this variant on ERCC6 protein function. ClinVar contains an entry for this variant (Variation ID: 555033). This missense change has been observed in individual(s) with Cockayne Syndrome (PMID: 25463447). In at least one individual the data is consistent with being in trans (on the opposite chromosome) from a pathogenic variant. It has also been observed to segregate with disease in related individuals. This variant is present in population databases (rs752712823, gnomAD 0.006%). This sequence change replaces aspartic acid, which is acidic and polar, with glycine, which is neutral and non-polar, at codon 532 of the ERCC6 protein (p.Asp532Gly).

Counsyl
Classification: Uncertain significance for Cockayne syndrome type 2; Cerebrooculofacioskeletal syndrome 1; DE SANCTIS-CACCHIONE SYNDROME. Last evaluated: 2017-11-12. Review status: no assertion criteria provided. Collection method: clinical testing. Allele origin: unknown. Not counted in ClinVar's aggregate classification.

Literature cited by the submitters: PubMed 25463447 (cited by 4 submitters).